The following is an entry in ClinVar:

NM_001845.6(COL4A1):c.2690G>A (p.Gly897Asp)

Gene: COL4A1 (collagen type IV alpha 1 chain; minus strand). Cytogenetic location: 13q34.
Variant type: single nucleotide variant.
Coding change: c.2690G>A on transcript NM_001845.6 (MANE Select); coding-DNA position 2690, G replaced by A.
Protein change: p.Gly897Asp; replaces glycine 897 with aspartic acid.
Molecular consequence: missense variant.
Genome position (GRCh38, 1-based): chr13:110,177,868, C>T on the plus strand (G>A on the coding strand, the complement: COL4A1 is on the minus strand). VCF-style: chr13-110177868-C-T. GRCh37 (hg19) VCF-style: chr13-110830215-C-T.
Other names: short protein forms G897D.
Identifiers: ClinVar variation 2012683 (VCV002012683.4), dbSNP rs2501779464, ClinGen allele CA388667450.

ClinVar aggregate classification (germline): Likely pathogenic (1 of 4 stars; one submission).

Submission:

Labcorp Genetics (formerly Invitae), Labcorp
Classification: Likely pathogenic. Last evaluated: 2022-07-21. Review status: criteria provided, single submitter. Criteria: Invitae Variant Classification Sherloc (09022015). Collection method: clinical testing. Allele origin: germline.
Comment: In summary, the currently available evidence indicates that the variant is pathogenic, but additional data are needed to prove that conclusively. Therefore, this variant has been classified as Likely Pathogenic. This variant disrupts the p.Gly897 amino acid residue in COL4A1. Other variant(s) that disrupt this residue have been observed in individuals with COL4A1-related conditions (PMID: 23225343), which suggests that this may be a clinically significant amino acid residue. This variant disrupts the triple helix domain of COL4A1. Glycine residues within the Gly-Xaa-Yaa repeats of the triple helix domain are required for the structure and stability of fibrillar collagens (PMID: 7695699, 8218237, 19344236). In COL4A1 variants affecting these glycine residues are significantly enriched in individuals with disease (PMID: 9016532, 17078022) compared to the general population (ExAC). Advanced modeling of protein sequence and biophysical properties (such as structural, functional, and spatial information, amino acid conservation, physicochemical variation, residue mobility, and thermodynamic stability) performed at Invitae indicates that this missense variant is expected to disrupt COL4A1 protein function. This missense change has been observed in individual(s) with COL4A1-related conditions (Invitae). This variant is not present in population databases (gnomAD no frequency). This sequence change replaces glycine, which is neutral and non-polar, with aspartic acid, which is acidic and polar, at codon 897 of the COL4A1 protein (p.Gly897Asp).

Literature cited by the submitters: PubMed 23225343; PubMed 7695699; PubMed 8218237; PubMed 19344236; PubMed 9016532; PubMed 17078022.